The following is an entry in ClinVar:

ClinVar aggregate classification (germline): Likely benign. Review status: criteria provided, single submitter (1 of 4 stars). 2 submissions from 2 submitters: Likely benign (1). 1 of the submissions does not count toward it. Last evaluated 2025-12-27.

Conditions:
Severe combined immunodeficiency due to IKK2 deficiency. Also called: Immunodeficiency 15; IMMUNODEFICIENCY 15B. Identifiers: Orphanet 397787, MedGen C4747743, MONDO:0014267, OMIM 615592.
IKBKB-related disorder. Also called: IKBKB-related condition.

Allele frequency attached by ClinVar (database versions not stated): gnomAD 0.00001 and 0.00003; gnomAD exomes 0.00004 and 0.00005; TOPMed 0.00004; ExAC 0.00007; ESP Exome Variant Server 0.00008; 1000 Genomes Project 30x 0.00016; 1000 Genomes Project 0.00020.
gnomAD v4.1: 56 of 1,614,184 alleles (0.0035%); highest among the groups gnomAD compares: Middle Eastern, 0.049%; no homozygotes.

Submissions (2):

Labcorp Genetics (formerly Invitae), Labcorp
Classification: Likely benign for Severe combined immunodeficiency due to IKK2 deficiency. Last evaluated: 2025-12-27. Review status: criteria provided, single submitter. Criteria: Invitae Variant Classification Sherloc (09022015). Collection method: clinical testing. Allele origin: germline.

PreventionGenetics, part of Exact Sciences
Classification: Likely benign for IKBKB-related condition. Last evaluated: 2019-02-19. Review status: no assertion criteria provided. Collection method: clinical testing. Allele origin: germline. Not counted in ClinVar's aggregate classification.
Comment: This variant is classified as likely benign based on ACMG/AMP sequence variant interpretation guidelines (Richards et al. 2015 PMID: 25741868, with internal and published modifications).

NM_001556.3(IKBKB):c.1062G>T (p.Leu354=)

Gene: IKBKB (inhibitor of nuclear factor kappa B kinase subunit beta; plus strand). Cytogenetic location: 8p11.21.
Variant type: single nucleotide variant.
Coding change: c.1062G>T on transcript NM_001556.3 (MANE Select); coding-DNA position 1062, G replaced by T.
Protein change: p.Leu354=; no amino-acid change (leucine 354 retained).
Molecular consequence: synonymous variant. On other transcripts: non-coding transcript variant (3).
Genome position (GRCh38, 1-based): chr8:42,316,841, G>T. VCF-style: chr8-42316841-G-T. GRCh37 (hg19) VCF-style: chr8-42174359-G-T.
Other names: c.870G>T, p.Leu290= (NM_001190720.3); c.885G>T, p.Leu295= (NM_001242778.2).
Identifiers: ClinVar variation 474787 (VCV000474787.8), dbSNP rs145086380, ClinGen allele CA4731870.